The following is an entry in ClinVar:

NM_006949.4(STXBP2):c.1520G>A (p.Ser507Asn)

Gene: STXBP2 (syntaxin binding protein 2; plus strand). Cytogenetic location: 19p13.2.
Variant type: single nucleotide variant.
Coding change: c.1520G>A on transcript NM_006949.4 (MANE Select); coding-DNA position 1520, G replaced by A.
Protein change: p.Ser507Asn; replaces serine 507 with asparagine.
Molecular consequence: missense variant. On other transcripts: non-coding transcript variant (1).
Genome position (GRCh38, 1-based): chr19:7,647,229, G>A. VCF-style: chr19-7647229-G-A. GRCh37 (hg19) VCF-style: chr19-7712115-G-A.
Other names: p.Ser507Asn; c.1511G>A, p.Ser504Asn (NM_001127396.3); c.1553G>A, p.Ser518Asn (NM_001272034.2); c.1424G>A, p.Ser475Asn (NM_001414484.1); short protein forms S475N, S504N, S507N, S518N.
Identifiers: ClinVar variation 3380571 (VCV003380571.3).

ClinVar aggregate classification (germline): Uncertain significance. Review status: criteria provided, multiple submitters, no conflicts (2 of 4 stars). 2 submissions from 2 submitters: Uncertain significance (2). Last evaluated 2024-12-04.

Conditions:
Familial hemophagocytic lymphohistiocytosis 5. Also called: STXBP2-Related Familial Hemophagocytic Lymphohistiocytosis (STXBP2-fHLH). Identifiers: Orphanet 540, MedGen C2751293, MONDO:0013135, OMIM 613101.

Submissions (2):

Labcorp Genetics (formerly Invitae), Labcorp
Classification: Uncertain significance for Familial hemophagocytic lymphohistiocytosis 5. Last evaluated: 2024-12-04. Review status: criteria provided, single submitter. Criteria: Invitae Variant Classification Sherloc (09022015). Collection method: clinical testing. Allele origin: germline.
Comment: This sequence change replaces serine, which is neutral and polar, with asparagine, which is neutral and polar, at codon 507 of the STXBP2 protein (p.Ser507Asn). This variant is present in population databases (rs774802644, gnomAD 0.009%). This variant has not been reported in the literature in individuals affected with STXBP2-related conditions. Invitae Evidence Modeling of protein sequence and biophysical properties (such as structural, functional, and spatial information, amino acid conservation, physicochemical variation, residue mobility, and thermodynamic stability) indicates that this missense variant is not expected to disrupt STXBP2 protein function with a negative predictive value of 95%. In summary, the available evidence is currently insufficient to determine the role of this variant in disease. Therefore, it has been classified as a Variant of Uncertain Significance.

Mayo Clinic Laboratories, Mayo Clinic
Classification: Uncertain significance. Last evaluated: 2024-03-07. Review status: criteria provided, single submitter. Criteria: ACMG Guidelines, 2015. Collection method: clinical testing. Allele origin: germline. Observed: 1 variant allele.
Comment: BP4